The following is an entry in ClinVar:

ClinVar aggregate classification (germline): Likely pathogenic. Review status: criteria provided, multiple submitters, no conflicts (2 of 4 stars). 2 submissions from 2 submitters: Likely pathogenic (2). Last evaluated 2026-01-13.

Conditions:
Familial cancer of breast. Also called: BREAST CANCER, FAMILIAL; Hereditary breast cancer; hereditary breast carcinoma. Identifiers: Orphanet 227535, MedGen C0346153, MONDO:0016419, OMIM 114480. Disease mechanism: loss of function.
Hereditary cancer-predisposing syndrome. Also called: Hereditary Cancer Syndrome; Hereditary neoplastic syndrome; Neoplastic Syndromes, Hereditary; Tumor predisposition. Identifiers: Orphanet 140162, MedGen C0027672, MeSH D009386, MONDO:0015356.

Submissions (2):

Ambry Genetics
Classification: Likely pathogenic for Hereditary cancer-predisposing syndrome. Last evaluated: 2026-01-13. Review status: criteria provided, single submitter. Criteria: Ambry Variant Classification Scheme 2023. Collection method: clinical testing. Allele origin: germline.
Comment: The c.8671+2delT intronic variant, located in intron 58 of the ATM gene, results from a deletion of one nucleotide within intron 58 of the ATM gene. This nucleotide position is highly conserved in available vertebrate species. In silico splice site analysis predicts that this alteration will weaken the native splice donor site. RNA studies have demonstrated that this alteration results in abnormal splicing in the set of samples tested (Ambry internal data). This variant is considered to be rare based on population cohorts in the Genome Aggregation Database (gnomAD). Alterations that disrupt the canonical splice site are expected to cause aberrant splicing, resulting in an abnormal protein or a transcript that is subject to nonsense-mediated mRNA decay. As such, this alteration is classified as likely pathogenic.

Myriad Genetics, Inc.
Classification: Likely pathogenic for Familial cancer of breast. Last evaluated: 2023-02-09. Review status: criteria provided, single submitter. Criteria: Myriad Autosomal Dominant, Autosomal Recessive and X-Linked Classification Criteria (2023). Collection method: clinical testing. Allele origin: unknown.
Comment: This variant is considered likely pathogenic. This variant occurs within a consensus splice junction and is predicted to result in abnormal mRNA splicing of either an out-of-frame exon or an in-frame exon necessary for protein stability and/or normal function.

NM_000051.4(ATM):c.8671+2del

Genes: ATM (ATM serine/threonine kinase; plus strand), C11orf65 (chromosome 11 open reading frame 65; minus strand). Cytogenetic location: 11q22.3.
Variant type: Deletion.
Coding change: c.8671+2del on transcript NM_000051.4 (MANE Select); the canonical splice donor site of the intron after coding-DNA position 8671, one base deleted (T; older notation c.8671+2delT).
Molecular consequence: splice donor variant. On other transcripts: intron variant (2).
Genome position (GRCh38, 1-based): chr11:108,347,367, T deleted. VCF-style (leftmost placement, unchanged base first): chr11-108347366-GT-G. GRCh37 (hg19) VCF-style: chr11-108218093-GT-G.
Other names: c.8671+2del (NM_001351834.2); c.641-38296del (NM_001330368.2); c.695-12075del (NM_001351110.2).
Identifiers: ClinVar variation 2573309 (VCV002573309.3), dbSNP rs2547462972, ClinGen allele CA2580615054.